The following is an entry in ClinVar:

ClinVar aggregate classification (germline): Uncertain significance. Review status: criteria provided, multiple submitters, no conflicts (2 of 4 stars). 4 submissions from 4 submitters: Uncertain significance (4). Last evaluated 2024-05-08.

Conditions:
Inborn genetic diseases. Identifiers: MedGen C0950123, MeSH D030342.
Nephronophthisis. Also called: Juvenile Nephronophthisis. Identifiers: Orphanet 655, MedGen C0687120, MONDO:0019005, HP:0000090.
Senior-Loken syndrome 4 (SLSN4). Identifiers: Orphanet 3156, MedGen C1846979, MONDO:0011756, OMIM 606996.
Nephronophthisis 4 (NPHP4). Also called: NEPHRONOPHTHISIS 4, JUVENILE. Identifiers: Orphanet 655, MedGen C1847013, MONDO:0011752, OMIM 606966.

Allele frequency attached by ClinVar (database versions not stated): ExAC 0.00002; gnomAD exomes 0.00002 and 0.00008; gnomAD 0.00004; TOPMed 0.00004.
gnomAD v4.1: 121 of 1,613,520 alleles (0.0075%); highest among the groups gnomAD compares: Admixed American, 0.01%; no homozygotes.

Submissions (4):

Blueprint Genetics
Classification: Uncertain significance. Last evaluated: 2024-05-08. Review status: criteria provided, single submitter. Criteria: ACMG Guidelines, 2015. Collection method: clinical testing. Allele origin: germline.

Fulgent Genetics
Classification: Uncertain significance for Nephronophthisis 4; Senior-Loken syndrome 4. Last evaluated: 2024-04-09. Review status: criteria provided, single submitter. Criteria: ACMG Guidelines, 2015. Collection method: clinical testing. Allele origin: germline.

Labcorp Genetics (formerly Invitae), Labcorp
Classification: Uncertain significance for Nephronophthisis. Last evaluated: 2023-07-17. Review status: criteria provided, single submitter. Criteria: Invitae Variant Classification Sherloc (09022015). Collection method: clinical testing. Allele origin: germline.
Comment: This sequence change replaces arginine, which is basic and polar, with cysteine, which is neutral and slightly polar, at codon 390 of the NPHP4 protein (p.Arg390Cys). This variant is present in population databases (rs748941493, gnomAD 0.01%). This variant has not been reported in the literature in individuals affected with NPHP4-related conditions. ClinVar contains an entry for this variant (Variation ID: 1425961). Advanced modeling of protein sequence and biophysical properties (such as structural, functional, and spatial information, amino acid conservation, physicochemical variation, residue mobility, and thermodynamic stability) performed at Invitae indicates that this missense variant is expected to disrupt NPHP4 protein function. In summary, the available evidence is currently insufficient to determine the role of this variant in disease. Therefore, it has been classified as a Variant of Uncertain Significance.

Ambry Genetics
Classification: Uncertain significance for Inborn genetic diseases. Last evaluated: 2021-10-26. Review status: criteria provided, single submitter. Criteria: Ambry Variant Classification Scheme 2023. Collection method: clinical testing. Allele origin: germline.

NM_015102.5(NPHP4):c.1168C>T (p.Arg390Cys)

Gene: NPHP4 (nephrocystin 4; minus strand). Cytogenetic location: 1p36.31.
Variant type: single nucleotide variant.
Coding change: c.1168C>T on transcript NM_015102.5 (MANE Select); coding-DNA position 1168, C replaced by T.
Protein change: p.Arg390Cys; replaces arginine 390 with cysteine.
Molecular consequence: missense variant. On other transcripts: 5 prime UTR variant (2), non-coding transcript variant (1).
Genome position (GRCh38, 1-based): chr1:5,933,281, G>A on the plus strand (C>T on the coding strand, the complement: NPHP4 is on the minus strand). VCF-style: chr1-5933281-G-A. GRCh37 (hg19) VCF-style: chr1-5993341-G-A.
Other names: c.-199C>T (NM_001291593.2, NM_001291594.2); c.1168C>T (NM_015102.3); short protein forms R390C.
Identifiers: ClinVar variation 1425961 (VCV001425961.8), dbSNP rs748941493, ClinGen allele CA554602.
Genomic context (GRCh38, chr1:5,933,281, plus strand): 5'-GCAGAGGCAGGGTCACCCTTCCAGAATCAGCTTCCAGCAAGGGGTTCCAAACAGCCCAGC[G>A]GACCATGTGCATGCATGCCAGGTTGGACAGAGAGGTGACCGAAGCTGCCTAGAATTAAAA-3'
Protein context (NP_055917.1, residues 380-400): LSNLACMHMV[Arg390Cys]WAVWNPLLEA